The following is an entry in ClinVar:

ClinVar aggregate classification (germline): Uncertain significance (1 of 4 stars; one submission).

Conditions:
Luscan-Lumish syndrome. Identifiers: Orphanet 597738, MedGen C4085873, MONDO:0014791, OMIM 616831.

Allele frequency attached by ClinVar (database versions not stated): TOPMed 0.00001; gnomAD exomes 0.00002 and 0.00005; gnomAD 0.00003.
gnomAD v4.1: 79 of 1,551,616 alleles (0.0051%); highest among the groups gnomAD compares: Non-Finnish European, 0.0064%; no homozygotes.

Submission:

Labcorp Genetics (formerly Invitae), Labcorp
Classification: Uncertain significance for Luscan-Lumish syndrome. Last evaluated: 2017-12-31. Review status: criteria provided, single submitter. Criteria: Invitae Variant Classification Sherloc (09022015). Collection method: clinical testing. Allele origin: germline.
Comment: In summary, the available evidence is currently insufficient to determine the role of this variant in disease. Therefore, it has been classified as a Variant of Uncertain Significance. Algorithms developed to predict the effect of missense changes on protein structure and function do not agree on the potential impact of this missense change (SIFT: "Tolerated"; PolyPhen-2: "Probably Damaging"; Align-GVGD: "Class C0"). This variant has not been reported in the literature in individuals with SETD2-related disease. This variant is not present in population databases (ExAC no frequency). This sequence change replaces arginine with glutamine at codon 53 of the SETD2 protein (p.Arg53Gln). The arginine residue is moderately conserved and there is a small physicochemical difference between arginine and glutamine.

NM_014159.7(SETD2):c.158G>A (p.Arg53Gln)

Gene: SETD2 (SET domain containing 2, histone lysine methyltransferase; minus strand). Cytogenetic location: 3p21.31.
Variant type: single nucleotide variant.
Coding change: c.158G>A on transcript NM_014159.7 (MANE Select); coding-DNA position 158, G replaced by A.
Protein change: p.Arg53Gln; replaces arginine 53 with glutamine.
Molecular consequence: missense variant. On other transcripts: non-coding transcript variant (1).
Genome position (GRCh38, 1-based): chr3:47,124,478, C>T on the plus strand (G>A on the coding strand, the complement: SETD2 is on the minus strand). VCF-style: chr3-47124478-C-T. GRCh37 (hg19) VCF-style: chr3-47165968-C-T.
Other names: c.26G>A, p.Arg9Gln (NM_001349370.3); short protein forms R53Q, R9Q.
Identifiers: ClinVar variation 1000705 (VCV001000705.5), dbSNP rs745499104, ClinGen allele CA73812486.
Genomic context (GRCh38, chr3:47,124,478, plus strand): 5'-ACCTTCTGTCGTCCCTGTTCTTCCAAATTAACTTTTGTTTTGGTGCCTTTGGGCAAAAAT[C>T]GACTAGAAGCAACACCTTTGAACATTGGTCCTTTGATGAAACCTGTTTTCTGCACATTTT-3'
Protein context (NP_054878.5, residues 43-63): GPMFKGVASS[Arg53Gln]FLPKGTKTKV